The following is an entry in ClinVar:

ClinVar aggregate classification (germline): Uncertain significance (1 of 4 stars; one submission).

Conditions:
Hypouricemia, renal, 2. Also called: HYPOURICEMIA, RENAL, 2, AUTOSOMAL DOMINANT; HYPOURICEMIA, RENAL, 2, AUTOSOMAL RECESSIVE. Identifiers: MedGen C2677549, MONDO:0012793, OMIM 612076.

Submission:

Diagnostics Services (NGS), CSIR - Centre For Cellular And Molecular Biology
Classification: Uncertain significance for Hypouricemia, renal, 2. Last evaluated: 2025-02-05. Review status: criteria provided, single submitter. Criteria: ACMG Guidelines, 2015. Collection method: clinical testing. Allele origin: unknown. Affected: yes. Observed: 1 variant allele, 1 heterozygote.
Comment: The c.1554C>A variant is not present in 1000 Genomes, EVS, Indian Exome Database or our internal database. The variant is present in gnomAD, at a low frequency. This variant has neither been reported in the literature in individuals affected with SLC2A9-related conditions nor reported to HGMD, ClinVar or OMIM databases, in any affected individuals. In-silico pathogenicity prediction programs like MutationTaster2021, CADD etc predicted this variant to be likely deleterious however these predictions were not confirmed by published functional studies.

NM_020041.3(SLC2A9):c.1554C>A (p.Asn518Lys)

Gene: SLC2A9 (solute carrier family 2 member 9; minus strand). Cytogenetic location: 4p16.1.
Variant type: single nucleotide variant.
Coding change: c.1554C>A on transcript NM_020041.3 (MANE Select); coding-DNA position 1554, C replaced by A.
Protein change: p.Asn518Lys; replaces asparagine 518 with lysine.
Molecular consequence: missense variant.
Genome position (GRCh38, 1-based): chr4:9,826,466, G>T on the plus strand (C>A on the coding strand, the complement: SLC2A9 is on the minus strand). VCF-style: chr4-9826466-G-T. GRCh37 (hg19) VCF-style: chr4-9828090-G-T.
Other names: c.1467C>A, p.Asn489Lys (NM_001001290.2); short protein forms N489K, N518K.
Identifiers: ClinVar variation 3767965 (VCV003767965.1).